The following is an entry in ClinVar:

ClinVar aggregate classification (germline): Pathogenic/Likely pathogenic. Review status: criteria provided, multiple submitters, no conflicts (2 of 4 stars). 2 submissions from 2 submitters: Pathogenic (1); Likely pathogenic (1). Last evaluated 2023-10-03.

Conditions:
Arrhythmogenic right ventricular cardiomyopathy (ARVD). Also called: Arrhythmogenic cardiomyopathy; Cardiomyopathy, ARVC; Arrhythmogenic right ventricular dysplasia; Arrhythmogenic Right Ventricular Cardiomyopathy (ARVC). Identifiers: Orphanet 247, MedGen C0349788, MeSH D019571, MONDO:0016587. Disease mechanism: loss of function. Inheritance: Various modes of inheritance.
Arrhythmogenic right ventricular dysplasia 9 (ARVD9). Also called: Arrhythmogenic Right Ventricular Dysplasia/Cardiomyopathy 9; ARRHYTHMOGENIC RIGHT VENTRICULAR DYSPLASIA, FAMILIAL, 9. Identifiers: MedGen C1836906, MONDO:0012180, OMIM 609040.

Submissions (2):

Labcorp Genetics (formerly Invitae), Labcorp
Classification: Pathogenic for Arrhythmogenic right ventricular dysplasia 9. Last evaluated: 2023-10-03. Review status: criteria provided, single submitter. Criteria: Invitae Variant Classification Sherloc (09022015). Collection method: clinical testing. Allele origin: germline.
Comment: This sequence change creates a premature translational stop signal (p.His218Glnfs*9) in the PKP2 gene. It is expected to result in an absent or disrupted protein product. Loss-of-function variants in PKP2 are known to be pathogenic (PMID: 15489853, 23911551). This variant is not present in population databases (gnomAD no frequency). This variant has not been reported in the literature in individuals affected with PKP2-related conditions. ClinVar contains an entry for this variant (Variation ID: 667012). For these reasons, this variant has been classified as Pathogenic.

Laboratory for Molecular Medicine, Mass General Brigham Personalized Medicine
Classification: Likely pathogenic for Arrhythmogenic right ventricular cardiomyopathy. Last evaluated: 2018-04-20. Review status: criteria provided, single submitter. Criteria: LMM Criteria. Collection method: clinical testing. Allele origin: germline. Inheritance: Autosomal dominant inheritance. Observed: 1 variant allele.
Comment: The p.His218fs variant in PKP2 has not been previously reported in individuals w ith ARVC and was absent from large population studies. This variant is predicted to cause a frameshift, which alters the protein?s amino acid sequence beginning at position 218 and leads to a premature termination codon 9 amino acids downst ream. This alteration is then predicted to lead to a truncated or absent protein . Heterozygous loss of function of the PKP2 gene is known to cause ARVC. In sum mary, although additional studies are required to fully establish its clinical s ignificance, the p.His218fs variant is likely pathogenic. ACMG/AMP Criteria appl ied: PVS1, PM2.

Literature cited by the submitters: PubMed 15489853 (cited by Labcorp Genetics (formerly Invitae), Labcorp); PubMed 23911551 (cited by Labcorp Genetics (formerly Invitae), Labcorp).

NM_001005242.3(PKP2):c.654_655del (p.His218fs)

Gene: PKP2 (plakophilin 2; minus strand). Cytogenetic location: 12p11.21.
Variant type: Microsatellite.
Coding change: c.654_655del on transcript NM_001005242.3 (MANE Select); coding-DNA positions 654 to 655, 2 bases deleted (CA; older notation c.654_655delCA).
Protein change: p.His218fs; shifts the reading frame from histidine 218.
Molecular consequence: frameshift variant.
Genome position (GRCh38, 1-based): chr12:32,878,225-32,878,226, TG deleted on the plus strand (CA on the coding strand, the reverse complement: PKP2 is on the minus strand); deleting any 2 consecutive bases within chr12:32,878,225-32,878,228 gives the same sequence; the c. name uses the placement nearest the transcript's 3' end. VCF-style (leftmost placement, unchanged base first): chr12-32878224-CTG-C. GRCh37 (hg19) VCF-style: chr12-33031158-CTG-C.
Other names: c.654_655del, p.His218fs (NM_004572.4); c.654_655delCA (NM_004572.3); short protein forms H218fs.
Identifiers: ClinVar variation 667012 (VCV000667012.8), dbSNP rs1591828796, ClinGen allele CA913188490.